The following is an entry in ClinVar:

NM_053025.4(MYLK):c.661C>T (p.His221Tyr)

Gene: MYLK (myosin light chain kinase; minus strand). Cytogenetic location: 3q21.1.
Variant type: single nucleotide variant.
Coding change: c.661C>T on transcript NM_053025.4 (MANE Select); coding-DNA position 661, C replaced by T.
Protein change: p.His221Tyr; replaces histidine 221 with tyrosine.
Molecular consequence: missense variant.
Genome position (GRCh38, 1-based): chr3:123,737,471, G>A on the plus strand (C>T on the coding strand, the complement: MYLK is on the minus strand). VCF-style: chr3-123737471-G-A. GRCh37 (hg19) VCF-style: chr3-123456318-G-A.
Other names: c.133C>T, p.His45Tyr (NM_001321309.2); c.661C>T, p.His221Tyr (NM_053026.4, NM_053027.4, NM_053028.4); short protein forms H221Y, H45Y.
Identifiers: ClinVar variation 1217834 (VCV001217834.16), dbSNP rs760622096, ClinGen allele CA073423.

ClinVar aggregate classification (germline): Uncertain significance. Review status: criteria provided, multiple submitters, no conflicts (2 of 4 stars). 4 submissions from 4 submitters: Uncertain significance (4). Last evaluated 2025-07-03.

Conditions:
Aortic aneurysm, familial thoracic 7 (AAT7). Also called: AORTIC DISSECTION, FAMILIAL, WITH OR WITHOUT AORTIC ANEURYSM. Identifiers: MedGen C3151077, MONDO:0013418, OMIM 613780.
Megacystis-microcolon-intestinal hypoperistalsis syndrome 1. Identifiers: MedGen C5542316, MONDO:0100354, OMIM 249210.
Familial thoracic aortic aneurysm and aortic dissection (TAAD). Also called: Thoracic aortic aneurysms and dissections. Identifiers: Orphanet 91387, MedGen C4707243, MONDO:0019625.

Allele frequency attached by ClinVar (database versions not stated): gnomAD exomes 0.00002 and 0.00004; TOPMed 0.00002; ExAC 0.00003; gnomAD 0.00003.
gnomAD v4.1: 58 of 1,614,076 alleles (0.0036%); highest among the groups gnomAD compares: Non-Finnish European, 0.0048%; no homozygotes.

Submissions (4):

Ambry Genetics
Classification: Uncertain significance for Familial thoracic aortic aneurysm and aortic dissection. Last evaluated: 2025-07-03. Review status: criteria provided, single submitter. Criteria: Ambry Variant Classification Scheme 2023. Collection method: clinical testing. Allele origin: germline.
Comment: The p.H221Y variant (also known as c.661C>T), located in coding exon 5 of the MYLK gene, results from a C to T substitution at nucleotide position 661. The histidine at codon 221 is replaced by tyrosine, an amino acid with similar properties. This amino acid position is conserved. In addition, this alteration is predicted to be tolerated by in silico analysis. Based on the available evidence, the clinical significance of this variant remains unclear.

Labcorp Genetics (formerly Invitae), Labcorp
Classification: Uncertain significance for Aortic aneurysm, familial thoracic 7. Last evaluated: 2025-01-28. Review status: criteria provided, single submitter. Criteria: Invitae Variant Classification Sherloc (09022015). Collection method: clinical testing. Allele origin: germline.
Comment: This sequence change replaces histidine, which is basic and polar, with tyrosine, which is neutral and polar, at codon 221 of the MYLK protein (p.His221Tyr). This variant is present in population databases (rs760622096, gnomAD 0.005%). This variant has not been reported in the literature in individuals affected with MYLK-related conditions. ClinVar contains an entry for this variant (Variation ID: 1217834). Invitae Evidence Modeling of protein sequence and biophysical properties (such as structural, functional, and spatial information, amino acid conservation, physicochemical variation, residue mobility, and thermodynamic stability) indicates that this missense variant is not expected to disrupt MYLK protein function with a negative predictive value of 95%. In summary, the available evidence is currently insufficient to determine the role of this variant in disease. Therefore, it has been classified as a Variant of Uncertain Significance.

GeneDx
Classification: Uncertain significance. Last evaluated: 2024-07-03. Review status: criteria provided, single submitter. Criteria: GeneDx Variant Classification Process June 2021. Collection method: clinical testing. Allele origin: germline. Affected: yes.
Comment: Has not been previously published as pathogenic or benign to our knowledge; Not observed at significant frequency in large population cohorts (gnomAD); In silico analysis indicates that this missense variant does not alter protein structure/function

Fulgent Genetics
Classification: Uncertain significance for Megacystis-microcolon-intestinal hypoperistalsis syndrome 1; Aortic aneurysm, familial thoracic 7. Last evaluated: 2021-11-04. Review status: criteria provided, single submitter. Criteria: ACMG Guidelines, 2015. Collection method: clinical testing. Allele origin: unknown.